The following is an entry in ClinVar:

NM_003872.3(NRP2):c.929G>A (p.Arg310Gln)

Gene: NRP2 (neuropilin 2; plus strand). Cytogenetic location: 2q33.3.
Variant type: single nucleotide variant.
Coding change: c.929G>A on transcript NM_003872.3 (MANE Select); coding-DNA position 929, G replaced by A.
Protein change: p.Arg310Gln; replaces arginine 310 with glutamine.
Molecular consequence: missense variant.
Genome position (GRCh38, 1-based): chr2:205,726,021, G>A. VCF-style: chr2-205726021-G-A. GRCh37 (hg19) VCF-style: chr2-206590745-G-A.
Other names: c.929G>A, p.Arg310Gln (NM_018534.4, NM_201264.2, NM_201266.2 and 2 more transcripts); short protein forms R310Q.
Identifiers: ClinVar variation 3357881 (VCV003357881.1).

ClinVar aggregate classification (germline): Uncertain significance (0 of 4 stars; one submission).

Conditions:
NRP2-related disorder. Also called: NRP2-related condition.

Submission:

PreventionGenetics, part of Exact Sciences
Classification: Uncertain significance for NRP2-related condition. Last evaluated: 2023-11-27. Review status: no assertion criteria provided. Collection method: clinical testing. Allele origin: germline.
Comment: The NRP2 c.929G>A variant is predicted to result in the amino acid substitution p.Arg310Gln. To our knowledge, this variant has not been reported in the literature. This variant is reported in 0.012% of alleles in individuals of African descent in gnomAD. At this time, the clinical significance of this variant is uncertain due to the absence of conclusive functional and genetic evidence.